The following is an entry in ClinVar:

ClinVar aggregate classification (germline): Likely pathogenic (1 of 4 stars; one submission).

gnomAD v4.1: 1 of 1,560,552 alleles (0.000064%); highest among the groups gnomAD compares: Non-Finnish European, 0.000087%; no homozygotes.

Submission:

GeneDx
Classification: Likely pathogenic. Last evaluated: 2025-04-28. Review status: criteria provided, single submitter. Criteria: GeneDx Variant Classification Process June 2021. Collection method: clinical testing. Allele origin: germline. Affected: yes.
Comment: Nonsense variant predicted to result in protein truncation, as the last 23 amino acids are lost, and other loss-of-function variants have been reported downstream in HGMD; Not observed at significant frequency in large population cohorts (gnomAD); Has not been previously published as pathogenic or benign to our knowledge

NM_022356.4(P3H1):c.2140C>T (p.Gln714Ter)

Gene: P3H1 (prolyl 3-hydroxylase 1; minus strand). Cytogenetic location: 1p34.2.
Variant type: single nucleotide variant.
Coding change: c.2140C>T on transcript NM_022356.4 (MANE Select); coding-DNA position 2140, C replaced by T.
Protein change: p.Gln714Ter; replaces glutamine 714 with a stop codon.
Molecular consequence: nonsense. On other transcripts: 3 prime UTR variant (2).
Genome position (GRCh38, 1-based): chr1:42,746,768, G>A on the plus strand (C>T on the coding strand, the complement: P3H1 is on the minus strand). VCF-style: chr1-42746768-G-A. GRCh37 (hg19) VCF-style: chr1-43212439-G-A.
Other names: c.*65C>T (NM_001146289.2); c.*144C>T (NM_001243246.2); short protein forms Q714*.
Identifiers: ClinVar variation 4527511 (VCV004527511.1).